The following is an entry in ClinVar:

ClinVar aggregate classification (germline): Uncertain significance (1 of 4 stars; one submission).

Conditions:
SEMA3A-related disorder. Also called: SEMA3A-related condition.

gnomAD v4.1: 12 of 1,613,834 alleles (0.00074%); highest among the groups gnomAD compares: South Asian, 0.0011%; no homozygotes.

Submission:

PreventionGenetics, part of Exact Sciences
Classification: Uncertain significance for SEMA3A-related condition. Last evaluated: 2024-11-10. Review status: criteria provided, single submitter. Criteria: ACMG Guidelines, 2015. Collection method: clinical testing. Allele origin: germline.
Comment: The SEMA3A c.1252A>G variant is predicted to result in the amino acid substitution p.Asn418Asp. To our knowledge, this variant has not been reported in the literature. This variant is reported in 0.0033% of alleles in individuals of South Asian descent in gnomAD. At this time, the clinical significance of this variant is uncertain due to the absence of conclusive functional and genetic evidence.

NM_006080.3(SEMA3A):c.1252A>G (p.Asn418Asp)

Gene: SEMA3A (semaphorin 3A; minus strand). Cytogenetic location: 7q21.11.
Variant type: single nucleotide variant.
Coding change: c.1252A>G on transcript NM_006080.3 (MANE Select); coding-DNA position 1252, A replaced by G.
Protein change: p.Asn418Asp; replaces asparagine 418 with aspartic acid.
Molecular consequence: missense variant.
Genome position (GRCh38, 1-based): chr7:84,005,447, T>C on the plus strand (A>G on the coding strand, the complement: SEMA3A is on the minus strand). VCF-style: chr7-84005447-T-C. GRCh37 (hg19) VCF-style: chr7-83634763-T-C.
Other names: short protein forms N418D.
Identifiers: ClinVar variation 4978451 (VCV004978451.1).